The following is an entry in ClinVar:

ClinVar aggregate classification (germline): Pathogenic. Review status: criteria provided, multiple submitters, no conflicts (2 of 4 stars). 3 submissions from 3 submitters: Pathogenic (2). 1 of the submissions does not count toward it. Last evaluated 2025-12-02.

Conditions:
Familial cancer of breast. Also called: BREAST CANCER, FAMILIAL; Hereditary breast cancer; hereditary breast carcinoma. Identifiers: Orphanet 227535, MedGen C0346153, MONDO:0016419, OMIM 114480. Disease mechanism: loss of function.
Fanconi anemia complementation group J. Also called: BRIP1-Related Fanconi Anemia. Identifiers: Orphanet 84, MedGen C1836860, MONDO:0012187, OMIM 609054.

Allele frequency attached by ClinVar (database versions not stated): gnomAD exomes below 0.00001.

Submissions (3):

Labcorp Genetics (formerly Invitae), Labcorp
Classification: Pathogenic for Familial cancer of breast; Fanconi anemia complementation group J. Last evaluated: 2025-12-02. Review status: criteria provided, single submitter. Criteria: Invitae Variant Classification Sherloc (09022015). Collection method: clinical testing. Allele origin: germline.
Comment: This sequence change creates a premature translational stop signal (p.Tyr147Serfs*10) in the BRIP1 gene. It is expected to result in an absent or disrupted protein product. Loss-of-function variants in BRIP1 are known to be pathogenic (PMID: 16116423, 17033622, 21964575). This variant is not present in population databases (gnomAD no frequency). This variant has not been reported in the literature in individuals affected with BRIP1-related conditions. ClinVar contains an entry for this variant (Variation ID: 545670). Algorithms developed to predict the effect of sequence changes on RNA splicing suggest that this variant may disrupt the consensus splice site. For these reasons, this variant has been classified as Pathogenic.

Genesis Genomics
Classification: Pathogenic for Familial cancer of breast. Review status: criteria provided, single submitter. Criteria: ACMG Guidelines, 2015. Collection method: clinical testing. Allele origin: germline. Affected: yes. Observed: 1 variant allele.

MVZ Praenatalmedizin und Genetik Nuernberg
Classification: Pathogenic for Familial cancer of breast. Last evaluated: 2018-05-01. Review status: no assertion criteria provided. Collection method: clinical testing. Allele origin: germline. Inheritance: Autosomal dominant inheritance. Affected: yes. Observed: 1 variant allele, 1 heterozygote. Not counted in ClinVar's aggregate classification.
Comment: This frameshift-variant in exon 5 is truncating and therefore rated pathogenic.

Literature cited by the submitters: PubMed 16116423 (cited by Labcorp Genetics (formerly Invitae), Labcorp); PubMed 17033622 (cited by Labcorp Genetics (formerly Invitae), Labcorp); PubMed 21964575 (cited by Labcorp Genetics (formerly Invitae), Labcorp).

NM_032043.3(BRIP1):c.440del (p.Tyr147fs)

Gene: BRIP1 (BRCA1 interacting DNA helicase 1; minus strand). Cytogenetic location: 17q23.2.
Variant type: Deletion.
Coding change: c.440del on transcript NM_032043.3 (MANE Select); coding-DNA position 440, one base deleted (A; older notation c.440delA).
Protein change: p.Tyr147fs; shifts the reading frame from tyrosine 147.
Molecular consequence: frameshift variant.
Genome position (GRCh38, 1-based): chr17:61,849,196, T deleted on the plus strand (A on the coding strand, the reverse complement: BRIP1 is on the minus strand). VCF-style (leftmost placement, unchanged base first): chr17-61849195-GT-G. GRCh37 (hg19) VCF-style: chr17-59926556-GT-G.
Other names: c.440delA (NM_032043.2); short protein forms Y147fs.
Identifiers: ClinVar variation 545670 (VCV000545670.11), dbSNP rs1555616176, ClinGen allele CA658824519.